The following is an entry in ClinVar:

NM_001101426.4(CRPPA):c.257+203C>G

Gene: CRPPA (CDP-L-ribitol pyrophosphorylase A; minus strand). Cytogenetic location: 7p21.2.
Variant type: single nucleotide variant.
Coding change: c.257+203C>G on transcript NM_001101426.4 (MANE Select); 203 bases into the intron after coding-DNA position 257, C replaced by G.
Molecular consequence: intron variant.
Genome position (GRCh38, 1-based): chr7:16,420,863, G>C on the plus strand (C>G on the coding strand, the complement: CRPPA is on the minus strand). VCF-style: chr7-16420863-G-C. GRCh37 (hg19) VCF-style: chr7-16460488-G-C.
Other names: c.257+203C>G (NM_001101417.4, NM_001368197.1).
Identifiers: ClinVar variation 681993 (VCV000681993.1), dbSNP rs12666104, ClinGen allele CA12670605.

ClinVar aggregate classification (germline): Benign (1 of 4 stars; one submission).

Allele frequency attached by ClinVar (database versions not stated): gnomAD 0.09778 and 0.10280; TOPMed 0.09944; 1000 Genomes Project 0.11522; 1000 Genomes Project 30x 0.11524.
gnomAD v4.1: 15,673 of 152,160 alleles (10%); highest among the groups gnomAD compares: South Asian, 25%; 951 homozygotes.

Submission:

GeneDx
Classification: Benign. Last evaluated: 2018-06-14. Review status: criteria provided, single submitter. Criteria: GeneDx Variant Classification (06012015). Collection method: clinical testing. Allele origin: germline. Affected: yes.
Comment: This variant is considered likely benign or benign based on one or more of the following criteria: it is a conservative change, it occurs at a poorly conserved position in the protein, it is predicted to be benign by multiple in silico algorithms, and/or has population frequency not consistent with disease.